The following is an entry in ClinVar:

NC_000021.9:g.(?_34792125)_(34892973_?)del

Gene: RUNX1 (RUNX family transcription factor 1; minus strand). Cytogenetic location: 21q22.12.
Variant type: Deletion.
Identifiers: ClinVar variation 832471 (VCV000832471.5).

ClinVar aggregate classification (germline): Pathogenic (1 of 4 stars; one submission).

Conditions:
Hereditary thrombocytopenia and hematological cancer predisposition syndrome associated with RUNX1. Also called: PLATELET DISORDER, ASPIRIN-LIKE; Familial Platelet Disorder with Propensity to Acute Myelogenous Leukemia; Familial thrombocytopenia with propensity to acute myelogenous leukemia; RUNX1 Familial Platelet Disorder with Associated Myeloid Malignancies. Identifiers: Orphanet 71290, MedGen C1832388, MeSH C563324, MONDO:0100083, OMIM 601399.

Submission:

Labcorp Genetics (formerly Invitae), Labcorp
Classification: Pathogenic for Hereditary thrombocytopenia and hematological cancer predisposition syndrome associated with RUNX1. Last evaluated: 2021-08-17. Review status: criteria provided, single submitter. Criteria: Invitae Variant Classification Sherloc (09022015). Collection method: clinical testing. Allele origin: germline.
Comment: This variant is a gross deletion of the genomic region encompassing exon(s) 3-9 of the RUNX1 gene, which includes the termination codon. This deletion extends beyond the assayed region for this gene and therefore may encompass additional genes. While this deletion is not anticipated to lead to nonsense mediated decay, it is expected to alter mRNA translation or result in a truncated protein product. This variant has not been reported in the literature in individuals affected with RUNX1-related conditions. The region of the RUNX1 gene that includes exon(s) 8-9 has been determined to be clinically significant (PMID: 14504086, 15749889, 22689681, 23753029). Therefore, deletions that encompass that region are likely to be disease-causing. For these reasons, this variant has been classified as Pathogenic.

Literature cited by the submitters: PubMed 14504086; PubMed 15749889; PubMed 22689681; PubMed 23753029.